The following is an entry in ClinVar:

ClinVar aggregate classification (germline): Benign (1 of 4 stars; one submission).

Conditions:
Atypical hemolytic-uremic syndrome with thrombomodulin anomaly. Also called: HEMOLYTIC UREMIC SYNDROME, ATYPICAL, SUSCEPTIBILITY TO, 6; AHUS, SUSCEPTIBILITY TO, 6. Identifiers: MedGen C2752036, MONDO:0013044, OMIM 612926. Disease mechanism: gain of function.

Allele frequency attached by ClinVar (database versions not stated): gnomAD 0.00002 and 0.00040; 1000 Genomes Project 30x 0.00172; TOPMed 0.00005; 1000 Genomes Project 0.00140.

Submission:

Illumina Laboratory Services, Illumina
Classification: Benign for Atypical hemolytic-uremic syndrome with thrombomodulin anomaly. Last evaluated: 2018-01-13. Review status: criteria provided, single submitter. Criteria: ICSL Variant Classification Criteria 13 December 2019. Collection method: clinical testing. Allele origin: germline.
Comment: This variant was observed in the ICSL laboratory as part of a predisposition screen in an ostensibly healthy population. It had not been previously curated by ICSL or reported in the Human Gene Mutation Database (HGMD: prior to June 1st, 2018), and was therefore a candidate for classification through an automated scoring system. Utilizing variant allele frequency, disease prevalence and penetrance estimates, and inheritance mode, an automated score was calculated to assess if this variant is too frequent to cause the disease. Based on the score and internal cut-off values, a variant classified as benign is not then subjected to further curation. The score for this variant resulted in a classification of benign for this disease.

NM_000361.3(THBD):c.*1239G>A

Gene: THBD (thrombomodulin; minus strand). Cytogenetic location: 20p11.21.
Variant type: single nucleotide variant.
Coding change: c.*1239G>A on transcript NM_000361.3 (MANE Select); 1239 bases downstream of the stop codon, G replaced by A.
Molecular consequence: 3 prime UTR variant.
Genome position (GRCh38, 1-based): chr20:23,046,538, C>T on the plus strand (G>A on the coding strand, the complement: THBD is on the minus strand). VCF-style: chr20-23046538-C-T. GRCh37 (hg19) VCF-style: chr20-23027175-C-T.
Identifiers: ClinVar variation 337859 (VCV000337859.5), dbSNP rs549574979, ClinGen allele CA10643562.